The following is an entry in ClinVar:

ClinVar aggregate classification (germline): Pathogenic/Likely pathogenic. Review status: criteria provided, multiple submitters, no conflicts (2 of 4 stars). 5 submissions from 5 submitters: Pathogenic (3); Likely pathogenic (1). 1 of the submissions does not count toward it. Last evaluated 2025-06-11.

Conditions:
3-Oxo-5 alpha-steroid delta 4-dehydrogenase deficiency (PPSH). Also called: PSEUDOVAGINAL PERINEOSCROTAL HYPOSPADIAS; FAMILIAL INCOMPLETE MALE PSEUDOHERMAPHRODITISM, TYPE 2; MALE PSEUDOHERMAPHRODITISM DUE TO 5-ALPHA-REDUCTASE DEFICIENCY; 46,XY disorder of sex development due to 5-alpha-reductase 2 deficiency. Identifiers: Orphanet 753, MedGen C0268297, MONDO:0009923, OMIM 264600. Disease mechanism: loss of function.

Allele frequency attached by ClinVar (database versions not stated): gnomAD 0.00004; ExAC 0.00005.
gnomAD v4.1: 43 of 1,595,476 alleles (0.0027%); highest among the groups gnomAD compares: Non-Finnish European, 0.0033%; no homozygotes.

Submissions (5):

Variantyx, Inc.
Classification: Likely pathogenic for 3-Oxo-5 alpha-steroid delta 4-dehydrogenase deficiency. Last evaluated: 2025-06-11. Review status: criteria provided, single submitter. Criteria: Variantyx Assertion Criteria 2022. Collection method: clinical testing. Allele origin: germline. Inheritance: Autosomal recessive inheritance. Affected: no.
Comment: This is a nonsynonymous variant in the SRD5A2 gene (OMIM: 607306). Pathogenic variants in this gene have been associated with autosomal recessive pseudovaginal perineoscrotal hypospadias. This variant has been identified in the homozygous or compound heterozygous state in at least 8 individuals reported in the published literature (PMID: 27070133, 1522235, 20019388, 21147889, 30132287) (PM3_Strong)}. Functional studies have shown that this variant alters SRD5A2 protein function (PMID: 1522235) (PS3). Multiple computational algorithms predict a deleterious effect for this variant (REVEL score: undefined) (PP3). This variant has a 0.0033% maximum allele frequency in non-founder control populations (PM2). Based on the current evidence, this variant is classified as likely pathogenic for autosomal recessive pseudovaginal perineoscrotal hypospadias.

Fulgent Genetics
Classification: Pathogenic for 3-Oxo-5 alpha-steroid delta 4-dehydrogenase deficiency. Last evaluated: 2024-04-16. Review status: criteria provided, single submitter. Criteria: ACMG Guidelines, 2015. Collection method: clinical testing. Allele origin: germline.

Labcorp Genetics (formerly Invitae), Labcorp
Classification: Pathogenic for 3-Oxo-5 alpha-steroid delta 4-dehydrogenase deficiency. Last evaluated: 2024-02-22. Review status: criteria provided, single submitter. Criteria: Invitae Variant Classification Sherloc (09022015). Collection method: clinical testing. Allele origin: germline.
Comment: This sequence change replaces arginine, which is basic and polar, with serine, which is neutral and polar, at codon 171 of the SRD5A2 protein (p.Arg171Ser). This variant is present in population databases (rs756405261, gnomAD 0.004%). This missense change has been observed in individual(s) with clinical features of steroid-5 alpha-reductase deficiency (PMID: 20019388, 21147889, 21631525, 24737579; Invitae). In at least one individual the data is consistent with being in trans (on the opposite chromosome) from a pathogenic variant. ClinVar contains an entry for this variant (Variation ID: 1958711). Advanced modeling of protein sequence and biophysical properties (such as structural, functional, and spatial information, amino acid conservation, physicochemical variation, residue mobility, and thermodynamic stability) performed at Invitae indicates that this missense variant is expected to disrupt SRD5A2 protein function with a positive predictive value of 80%. For these reasons, this variant has been classified as Pathogenic.

Women's Health and Genetics/Laboratory Corporation of America, LabCorp
Classification: Pathogenic for 3-Oxo-5 alpha-steroid delta 4-dehydrogenase deficiency. Last evaluated: 2023-09-05. Review status: criteria provided, single submitter. Criteria: LabCorp Variant Classification Summary - May 2015. Collection method: clinical testing. Allele origin: germline.
Comment: Variant summary: SRD5A2 c.510G>C (p.Arg170Ser), also known as c.513G>C (p.R171S) in RefSeq NM_000348.3, results in a non-conservative amino acid change located in the C-terminal domain (IPR001104) of the encoded protein sequence. Three of three in-silico tools predict a damaging effect of the variant on protein function. The variant allele was found at a frequency of 1.8e-05 in 219938 control chromosomes (i.e., 4 heterozygotes; gnomAD v2.1 Exomes dataset). The available data on variant occurrences in the general population are insufficient to allow any conclusion about variant significance. c.510G>C has been reported in the literature in multiple compound heterozygous individuals affected with 3-Oxo-5 alpha-steroid delta 4-dehydrogenase deficiency (e.g., Thigpen_1992, Maimoun_2011, Fernandez-Cancio_2011, Bertelloni_2016). These data indicate that the variant is very likely to be associated with disease. The following publications have been ascertained in the context of this evaluation (PMID: 27070133, 21631525, 21147889, 1522235). One submitter has reported clinical-significance assessments for this variant to ClinVar after 2014 and has classified the variant as pathogenic. Based on the evidence outlined above, the variant was classified as pathogenic.

Department of Pathology and Laboratory Medicine, Sinai Health System
Classification: Uncertain significance for 46,XY disorder of sex development due to 5-alpha-reductase 2 deficiency. Last evaluated: 2023-05-16. Review status: flagged submission. Criteria: ACMG Guidelines, 2015. Collection method: research. Allele origin: germline. Not counted in ClinVar's aggregate classification.
ClinVar note: Reason: Outlier claim with insufficient supporting evidence

Literature cited by the submitters: PubMed 27070133 (cited by Variantyx, Inc. and Women's Health and Genetics/Laboratory Corporation of America, LabCorp); PubMed 1522235 (cited by Variantyx, Inc. and Women's Health and Genetics/Laboratory Corporation of America, LabCorp); PubMed 20019388 (cited by Variantyx, Inc. and Labcorp Genetics (formerly Invitae), Labcorp); PubMed 21147889 (cited by 3 submitters); PubMed 30132287 (cited by Variantyx, Inc.); PubMed 21631525 (cited by Labcorp Genetics (formerly Invitae), Labcorp and Women's Health and Genetics/Laboratory Corporation of America, LabCorp); PubMed 24737579 (cited by Labcorp Genetics (formerly Invitae), Labcorp).

NM_000348.4(SRD5A2):c.513G>C (p.Arg171Ser)

Gene: SRD5A2 (steroid 5 alpha-reductase 2; minus strand). Cytogenetic location: 2p23.1.
Variant type: single nucleotide variant.
Coding change: c.513G>C on transcript NM_000348.4 (MANE Select); coding-DNA position 513, G replaced by C.
Protein change: p.Arg171Ser; replaces arginine 171 with serine.
Molecular consequence: missense variant.
Genome position (GRCh38, 1-based): chr2:31,531,405, C>G on the plus strand (G>C on the coding strand, the complement: SRD5A2 is on the minus strand). VCF-style: chr2-31531405-C-G. GRCh37 (hg19) VCF-style: chr2-31756475-C-G.
Other names: c.513G>C (NM_000348.3); short protein forms R171S.
Identifiers: ClinVar variation 1958711 (VCV001958711.9), dbSNP rs756405261, ClinGen allele CA1599917.
Genomic context (GRCh38, chr2:31,531,405, plus strand): 5'-GAGTCTGGGGGCAGGGGAGACATTACCTTGTGGAATCCTGTAGCTGATTTCTCCAGGCTT[C>G]CTGAGCTGGCGCAATATATAGTCACTATGAATGTTTATTCCCATTCCCAAAATAAATAAG-3'
Protein context (NP_000339.2, residues 161-181): IHSDYILRQL[Arg171Ser]KPGEISYRIP